The following is an entry in ClinVar:

ClinVar aggregate classification (germline): Uncertain significance. Review status: criteria provided, multiple submitters, no conflicts (2 of 4 stars). 2 submissions from 2 submitters: Uncertain significance (2). Last evaluated 2024-10-25.

Allele frequency attached by ClinVar (database versions not stated): ExAC 0.00001.

Submissions (2):

Labcorp Genetics (formerly Invitae), Labcorp
Classification: Uncertain significance. Last evaluated: 2024-10-25. Review status: criteria provided, single submitter. Criteria: Invitae Variant Classification Sherloc (09022015). Collection method: clinical testing. Allele origin: germline.
Comment: This sequence change replaces isoleucine, which is neutral and non-polar, with arginine, which is basic and polar, at codon 732 of the NPAT protein (p.Ile732Arg). This variant is present in population databases (rs369845100, gnomAD 0.006%). This variant has not been reported in the literature in individuals affected with NPAT-related conditions. ClinVar contains an entry for this variant (Variation ID: 1787478). An algorithm developed to predict the effect of missense changes on protein structure and function (PolyPhen-2) suggests that this variant is likely to be disruptive. In summary, the available evidence is currently insufficient to determine the role of this variant in disease. Therefore, it has been classified as a Variant of Uncertain Significance.

Ambry Genetics
Classification: Uncertain significance. Last evaluated: 2023-08-26. Review status: criteria provided, single submitter. Criteria: Ambry Variant Classification Scheme 2023. Collection method: clinical testing. Allele origin: germline.
Comment: The p.I732R variant (also known as c.2195T>G), located in coding exon 13 of the NPAT gene, results from a T to G substitution at nucleotide position 2195. The isoleucine at codon 732 is replaced by arginine, an amino acid with similar properties. This amino acid position is conserved. In addition, this alteration is predicted to be tolerated by in silico analysis. Since supporting evidence is limited at this time, the clinical significance of this alteration remains unclear.

NM_002519.3(NPAT):c.2195T>G (p.Ile732Arg)

Gene: NPAT (nuclear protein, coactivator of histone transcription; minus strand). Cytogenetic location: 11q22.3.
Variant type: single nucleotide variant.
Coding change: c.2195T>G on transcript NM_002519.3 (MANE Select); coding-DNA position 2195, T replaced by G.
Protein change: p.Ile732Arg; replaces isoleucine 732 with arginine.
Molecular consequence: missense variant.
Genome position (GRCh38, 1-based): chr11:108,172,789, A>C on the plus strand (T>G on the coding strand, the complement: NPAT is on the minus strand). VCF-style: chr11-108172789-A-C. GRCh37 (hg19) VCF-style: chr11-108043516-A-C.
Other names: c.2195T>G, p.Ile732Arg (NM_001321307.1); short protein forms I732R.
Identifiers: ClinVar variation 1787478 (VCV001787478.5), dbSNP rs369845100, ClinGen allele CA6263861.
Genomic context (GRCh38, chr11:108,172,789, plus strand): 5'-GAGGAAACAAATGGATCATCACTAATGATAACTTTGAGAGAGACGATATTTGATGCATCT[A>C]TCTCTGCTGAGTTGTTGCTAGAAGGTTTATCATCAGTATTTTGGGACTCAGGGTGAGAAT-3'
Protein context (NP_002510.2, residues 722-742): DKPSSNNSAE[Ile732Arg]DASNIVSLKV